The following is an entry in ClinVar:

ClinVar aggregate classification (germline): Likely pathogenic (1 of 4 stars; one submission).

Conditions:
Cystic fibrosis (CF). Also called: MUCOVISCIDOSIS. Identifiers: Orphanet 586, MedGen C0010674, MONDO:0009061, OMIM 219700. Disease mechanism: loss of function.

Submission:

Johns Hopkins Genomics, Johns Hopkins University
Classification: Likely pathogenic for Cystic fibrosis. Last evaluated: 2024-12-17. Review status: criteria provided, single submitter. Criteria: ACMG Guidelines, 2015. Collection method: clinical testing. Allele origin: germline.
Comment: Evidence of a CFTR gene deletion involving all of exon 15 (Legacy exon 14a) was identified. A similar CFTR deletion has been reported in individuals with cystic fibrosis. We consider this deletion to be likely pathogenic.

Literature cited by the submitters: PubMed 30192042.

NM_000492.4(CFTR):c.2490+311_2619+359del

Gene: CFTR (CF transmembrane conductance regulator; plus strand). Cytogenetic location: 7q31.2.
Variant type: Deletion.
Coding change: c.2490+311_2619+359del on transcript NM_000492.4 (MANE Select); 311 bases into the intron after coding-DNA position 2490 through 359 bases into the intron after coding-DNA position 2619, 2,450 bases deleted.
Molecular consequence: splice acceptor variant, splice donor variant.
Genome position (GRCh38, 1-based): chr7:117,592,968-117,595,417, 2,450 bases deleted. GRCh37 (hg19): chr7:117,233,022-117,235,471.
Identifiers: ClinVar variation 4280112 (VCV004280112.1).